The following is an entry in ClinVar:

ClinVar aggregate classification (germline): Likely benign. Review status: criteria provided, multiple submitters, no conflicts (2 of 4 stars). 3 submissions from 3 submitters: Likely benign (3). Last evaluated 2026-02-16.

Conditions:
Hereditary cancer-predisposing syndrome. Also called: Hereditary Cancer Syndrome; Hereditary neoplastic syndrome; Neoplastic Syndromes, Hereditary; Tumor predisposition. Identifiers: Orphanet 140162, MedGen C0027672, MeSH D009386, MONDO:0015356.
Gorlin syndrome. Also called: Basal cell nevus syndrome; Nevoid Basal Cell Carcinoma Syndrome. Identifiers: Orphanet 377, MedGen C0004779, MONDO:0007187.

Submissions (3):

Ambry Genetics
Classification: Likely benign for Hereditary cancer-predisposing syndrome. Last evaluated: 2026-02-16. Review status: criteria provided, single submitter. Criteria: Ambry Variant Classification Scheme 2023. Collection method: clinical testing. Allele origin: germline.

CeGaT Center for Human Genetics Tuebingen
Classification: Likely benign. Last evaluated: 2025-08-01. Review status: criteria provided, single submitter. Criteria: CeGaT Center For Human Genetics Tuebingen Variant Classification Criteria Version 2. Collection method: clinical testing. Allele origin: germline. Affected: yes. Observed: 1 variant allele.
Comment: PTCH1: PM2:Supporting, BP4, BP7

Labcorp Genetics (formerly Invitae), Labcorp
Classification: Likely benign for Gorlin syndrome. Last evaluated: 2024-01-07. Review status: criteria provided, single submitter. Criteria: Invitae Variant Classification Sherloc (09022015). Collection method: clinical testing. Allele origin: germline.

NM_000264.5(PTCH1):c.2037T>C (p.Ala679=)

Genes: PTCH1 (patched 1; minus strand), LOC100507346 (uncharacterized LOC100507346; plus strand). Cytogenetic location: 9q22.32.
Variant type: single nucleotide variant.
Coding change: c.2037T>C on transcript NM_000264.5 (MANE Select); coding-DNA position 2037, T replaced by C.
Protein change: p.Ala679=; no amino-acid change (alanine 679 retained).
Molecular consequence: synonymous variant. On other transcripts: non-coding transcript variant (2).
Genome position (GRCh38, 1-based): chr9:95,468,964, A>G on the plus strand (T>C on the coding strand, the complement: PTCH1 is on the minus strand). VCF-style: chr9-95468964-A-G. GRCh37 (hg19) VCF-style: chr9-98231246-A-G.
Other names: c.1839T>C, p.Ala613= (NM_001083602.3); c.2034T>C, p.Ala678= (NM_001083603.3); c.1584T>C, p.Ala528= (NM_001083604.3, NM_001083605.3, NM_001083606.3 and 1 more transcripts); c.1881T>C, p.Ala627= (NM_001354918.2).
Identifiers: ClinVar variation 2958930 (VCV002958930.11), dbSNP rs2118043584, ClinGen allele CA466352503.